The following is an entry in ClinVar:

NM_152383.5(DIS3L2):c.2635C>G (p.Pro879Ala)

Gene: DIS3L2 (DIS3 like 3'-5' exoribonuclease 2; plus strand). Cytogenetic location: 2q37.1.
Variant type: single nucleotide variant.
Coding change: c.2635C>G on transcript NM_152383.5 (MANE Select); coding-DNA position 2635, C replaced by G.
Protein change: p.Pro879Ala; replaces proline 879 with alanine.
Molecular consequence: missense variant. On other transcripts: non-coding transcript variant (2), intron variant (1).
Genome position (GRCh38, 1-based): chr2:232,336,607, C>G. VCF-style: chr2-232336607-C-G. GRCh37 (hg19) VCF-style: chr2-233201317-C-G.
Other names: c.1582-6738C>G (NM_001257281.2); short protein forms P879A.
Identifiers: ClinVar variation 861950 (VCV000861950.11), dbSNP rs1246277178, ClinGen allele CA350979116.
Genomic context (GRCh38, chr2:232,336,607, plus strand): 5'-CGGCCAGGCACCCAGGGCCACCTGGGCCCTGAGAAGGAGGAGGAGGAGTCTGACGGTGAG[C>G]CCGAGGACTCAAGCACCAGCTGAGCTCCACCAGCCGCCTGCCCCGCCTGCCCCGCCTGCC-3'
Protein context (NP_689596.4, residues 869-885): EKEEEESDGE[Pro879Ala]EDSSTS

ClinVar aggregate classification (germline): Uncertain significance. Review status: criteria provided, multiple submitters, no conflicts (2 of 4 stars). 2 submissions from 2 submitters: Uncertain significance (2). Last evaluated 2024-01-06.

Conditions:
Perlman syndrome (PRLMNS). Identifiers: Orphanet 2849, MedGen C0796113, MONDO:0009965, OMIM 267000.

Allele frequency attached by ClinVar (database versions not stated): gnomAD exomes 0.00001.

Submissions (2):

Labcorp Genetics (formerly Invitae), Labcorp
Classification: Uncertain significance for Perlman syndrome. Last evaluated: 2024-01-06. Review status: criteria provided, single submitter. Criteria: Invitae Variant Classification Sherloc (09022015). Collection method: clinical testing. Allele origin: germline.
Comment: This sequence change replaces proline, which is neutral and non-polar, with alanine, which is neutral and non-polar, at codon 879 of the DIS3L2 protein (p.Pro879Ala). This variant is present in population databases (no rsID available, gnomAD 0.002%). This variant has not been reported in the literature in individuals affected with DIS3L2-related conditions. ClinVar contains an entry for this variant (Variation ID: 861950). Experimental studies and prediction algorithms are not available or were not evaluated, and the functional significance of this variant is currently unknown. In summary, the available evidence is currently insufficient to determine the role of this variant in disease. Therefore, it has been classified as a Variant of Uncertain Significance.

Illumina Laboratory Services, Illumina
Classification: Uncertain significance for Perlman syndrome. Last evaluated: 2018-01-12. Review status: criteria provided, single submitter. Criteria: ICSL Variant Classification Criteria 13 December 2019. Collection method: clinical testing. Allele origin: germline.